The following is an entry in ClinVar:

ClinVar aggregate classification (germline): Pathogenic/Likely pathogenic. Review status: criteria provided, multiple submitters, no conflicts (2 of 4 stars). 2 submissions from 2 submitters: Pathogenic (1); Likely pathogenic (1). Last evaluated 2024-11-10.

Conditions:
Pendred syndrome (PDS). Also called: DEAFNESS WITH GOITER; GOITER-DEAFNESS SYNDROME; HYPOTHYROIDISM, CONGENITAL, DUE TO DYSHORMONOGENESIS, 2B; Pendred's syndrome; Pendred Syndrome (PDS); THYROID DYSHORMONOGENESIS 2B. Identifiers: Orphanet 705, MedGen C0271829, MONDO:0010134, OMIM 274600.

gnomAD v4.1: 1 of 1,587,922 alleles (0.000063%); no homozygotes.

Submissions (2):

Natera, Inc.
Classification: Likely pathogenic for Pendred syndrome. Last evaluated: 2024-11-10. Review status: criteria provided, single submitter. Criteria: Natera Variant Classification Schema (03/2026). Collection method: clinical testing. Allele origin: germline.
Comment: The c.1645A>T variant in SLC26A4 is a nonsense variant predicted to introduce a stop codon at amino acid 549. This variant is expected to result in nonsense mediated decay, truncation, or a dysfunctional protein product. This variant is rare in the general population with a frequency below the threshold expected for the associated phenotype(s). Given the available evidence, this variant is classified as Likely Pathogenic.

Labcorp Genetics (formerly Invitae), Labcorp
Classification: Pathogenic. Last evaluated: 2020-09-13. Review status: criteria provided, single submitter. Criteria: Invitae Variant Classification Sherloc (09022015). Collection method: clinical testing. Allele origin: germline.
Comment: For these reasons, this variant has been classified as Pathogenic. Loss-of-function variants in SLC26A4 are known to be pathogenic (PMID: 16283880, 25394566, 26252218, 26445815). This variant has not been reported in the literature in individuals with SLC26A4-related conditions. This variant is not present in population databases (ExAC no frequency). This sequence change creates a premature translational stop signal (p.Arg549*) in the SLC26A4 gene. It is expected to result in an absent or disrupted protein product.

Literature cited by the submitters: PubMed 16283880 (cited by Labcorp Genetics (formerly Invitae), Labcorp); PubMed 25394566 (cited by Labcorp Genetics (formerly Invitae), Labcorp); PubMed 26252218 (cited by Labcorp Genetics (formerly Invitae), Labcorp); PubMed 26445815 (cited by Labcorp Genetics (formerly Invitae), Labcorp).

NM_000441.2(SLC26A4):c.1645A>T (p.Arg549Ter)

Gene: SLC26A4 (solute carrier family 26 member 4; plus strand). Cytogenetic location: 7q22.3.
Variant type: single nucleotide variant.
Coding change: c.1645A>T on transcript NM_000441.2 (MANE Select); coding-DNA position 1645, A replaced by T.
Protein change: p.Arg549Ter; replaces arginine 549 with a stop codon.
Molecular consequence: nonsense.
Genome position (GRCh38, 1-based): chr7:107,700,113, A>T. VCF-style: chr7-107700113-A-T. GRCh37 (hg19) VCF-style: chr7-107340558-A-T.
Other names: c.1645A>T (NM_000441.1); short protein forms R549*.
Identifiers: ClinVar variation 1068975 (VCV001068975.8), dbSNP rs2129317899, ClinGen allele CA368842126.
Genomic context (GRCh38, chr7:107,700,113, plus strand): 5'-TTAATCCCAGACAATTTCTTTTAATGCCAGATTGAAGAACCTCAAGGAGTGAAGATTCTT[A>T]GATTTTCCAGTCCTATTTTCTATGGCAATGTCGATGGTTTTAAAAAATGTATCAAGTCCA-3'